The following is an entry in ClinVar:

ClinVar aggregate classification (germline): Uncertain significance (1 of 4 stars; one submission).

Conditions:
Brown-Vialetto-van Laere syndrome 2. Also called: Riboflavin transporter deficiency type 2; SPINOCEREBELLAR ATAXIA WITH BLINDNESS AND DEAFNESS 2. Identifiers: Orphanet 572543, Orphanet 97229, MedGen C3553538, MONDO:0013867, OMIM 614707.

Allele frequency attached by ClinVar (database versions not stated): gnomAD exomes below 0.00001; TOPMed below 0.00001; ExAC 0.00001.

Submission:

Labcorp Genetics (formerly Invitae), Labcorp
Classification: Uncertain significance for Brown-Vialetto-van Laere syndrome 2. Last evaluated: 2021-03-07. Review status: criteria provided, single submitter. Criteria: Invitae Variant Classification Sherloc (09022015). Collection method: clinical testing. Allele origin: germline.
Comment: This sequence change replaces aspartic acid with asparagine at codon 76 of the SLC52A2 protein (p.Asp76Asn). The aspartic acid residue is weakly conserved and there is a small physicochemical difference between aspartic acid and asparagine. This variant is present in population databases (rs782300218, ExAC 0.002%). This variant has not been reported in the literature in individuals with SLC52A2-related conditions. Algorithms developed to predict the effect of missense changes on protein structure and function (SIFT, PolyPhen-2, Align-GVGD) all suggest that this variant is likely to be tolerated, but these predictions have not been confirmed by published functional studies and their clinical significance is uncertain. In summary, the available evidence is currently insufficient to determine the role of this variant in disease. Therefore, it has been classified as a Variant of Uncertain Significance.

NM_001363118.2(SLC52A2):c.226G>A (p.Asp76Asn)

Gene: SLC52A2 (solute carrier family 52 member 2; plus strand). Cytogenetic location: 8q24.3.
Variant type: single nucleotide variant.
Coding change: c.226G>A on transcript NM_001363118.2 (MANE Select); coding-DNA position 226, G replaced by A.
Protein change: p.Asp76Asn; replaces aspartic acid 76 with asparagine.
Molecular consequence: missense variant. On other transcripts: intron variant (1), non-coding transcript variant (1).
Genome position (GRCh38, 1-based): chr8:144,359,718, G>A. VCF-style: chr8-144359718-G-A. GRCh37 (hg19) VCF-style: chr8-145583378-G-A.
Other names: c.130+295G>A (NM_001363122.2); c.226G>A, p.Asp76Asn (NM_001253815.2, NM_001253816.2, NM_001363120.2 and 2 more transcripts); short protein forms D76N.
Identifiers: ClinVar variation 1021703 (VCV001021703.4), dbSNP rs782300218, ClinGen allele CA4938145.